The following is an entry in ClinVar:

ClinVar aggregate classification (germline): Uncertain significance (1 of 4 stars; one submission).

Conditions:
Chédiak-Higashi syndrome (CHS). Also called: Chediak-Higashi Syndrome. Identifiers: Orphanet 167, MedGen C0007965, MONDO:0008963, OMIM 214500.

gnomAD v4.1: 4 of 1,613,374 alleles (0.00025%); highest among the groups gnomAD compares: African/African-American, 0.0013%; no homozygotes.

Submission:

Labcorp Genetics (formerly Invitae), Labcorp
Classification: Uncertain significance for Chédiak-Higashi syndrome. Last evaluated: 2022-02-12. Review status: criteria provided, single submitter. Criteria: Invitae Variant Classification Sherloc (09022015). Collection method: clinical testing. Allele origin: germline.
Comment: This sequence change replaces valine, which is neutral and non-polar, with leucine, which is neutral and non-polar, at codon 773 of the LYST protein (p.Val773Leu). This variant is present in population databases (no rsID available, gnomAD 0.004%). This variant has not been reported in the literature in individuals affected with LYST-related conditions. Algorithms developed to predict the effect of missense changes on protein structure and function are either unavailable or do not agree on the potential impact of this missense change (SIFT: "Tolerated"; PolyPhen-2: "Probably Damaging"; Align-GVGD: "Class C0"). In summary, the available evidence is currently insufficient to determine the role of this variant in disease. Therefore, it has been classified as a Variant of Uncertain Significance.

NM_000081.4(LYST):c.2317G>T (p.Val773Leu)

Gene: LYST (lysosomal trafficking regulator; minus strand). Cytogenetic location: 1q42.3.
Variant type: single nucleotide variant.
Coding change: c.2317G>T on transcript NM_000081.4 (MANE Select); coding-DNA position 2317, G replaced by T.
Protein change: p.Val773Leu; replaces valine 773 with leucine.
Molecular consequence: missense variant.
Genome position (GRCh38, 1-based): chr1:235,808,501, C>A on the plus strand (G>T on the coding strand, the complement: LYST is on the minus strand). VCF-style: chr1-235808501-C-A. GRCh37 (hg19) VCF-style: chr1-235971801-C-A.
Other names: c.2317G>T, p.Val773Leu (NM_001301365.1); short protein forms V773L.
Identifiers: ClinVar variation 2074470 (VCV002074470.1), dbSNP rs546317523, ClinGen allele CA344958587.